The following is an entry in ClinVar:

NM_000083.3(CLCN1):c.1506G>T (p.Met502Ile)

Gene: CLCN1 (chloride voltage-gated channel 1; plus strand). Cytogenetic location: 7q34.
Variant type: single nucleotide variant.
Coding change: c.1506G>T on transcript NM_000083.3 (MANE Select); coding-DNA position 1506, G replaced by T.
Protein change: p.Met502Ile; replaces methionine 502 with isoleucine.
Molecular consequence: missense variant. On other transcripts: non-coding transcript variant (1).
Genome position (GRCh38, 1-based): chr7:143,339,545, G>T. VCF-style: chr7-143339545-G-T. GRCh37 (hg19) VCF-style: chr7-143036638-G-T.
Other names: short protein forms M502I.
Identifiers: ClinVar variation 3751718 (VCV003751718.2).

ClinVar aggregate classification (germline): Uncertain significance (1 of 4 stars; one submission).

Conditions:
Congenital myotonia, autosomal dominant form (THD). Also called: THOMSEN DISEASE; Myotonia congenita autosomal dominant. Identifiers: Orphanet 614, MedGen C2936781, MONDO:0008055, OMIM 160800.
Congenital myotonia, autosomal recessive form. Also called: Becker Generalized Myotonia; myotonia congenita, autosomal recessive; BECKER DISEASE. Identifiers: Orphanet 614, MedGen C0751360, MONDO:0009715, OMIM 255700.

gnomAD v4.1: 2 of 1,613,810 alleles (0.00012%); highest among the groups gnomAD compares: African/African-American, 0.0027%; no homozygotes.

Submission:

Labcorp Genetics (formerly Invitae), Labcorp
Classification: Uncertain significance for Congenital myotonia, autosomal recessive form; Congenital myotonia, autosomal dominant form. Last evaluated: 2024-03-14. Review status: criteria provided, single submitter. Criteria: Invitae Variant Classification Sherloc (09022015). Collection method: clinical testing. Allele origin: germline.
Comment: This sequence change replaces methionine, which is neutral and non-polar, with isoleucine, which is neutral and non-polar, at codon 502 of the CLCN1 protein (p.Met502Ile). This variant is not present in population databases (gnomAD no frequency). This variant has not been reported in the literature in individuals affected with CLCN1-related conditions. Advanced modeling of protein sequence and biophysical properties (such as structural, functional, and spatial information, amino acid conservation, physicochemical variation, residue mobility, and thermodynamic stability) has been performed at Invitae for this missense variant, however the output from this modeling did not meet the statistical confidence thresholds required to predict the impact of this variant on CLCN1 protein function. In summary, the available evidence is currently insufficient to determine the role of this variant in disease. Therefore, it has been classified as a Variant of Uncertain Significance.